The following is an entry in ClinVar:

ClinVar aggregate classification (germline): Pathogenic/Likely pathogenic. Review status: criteria provided, multiple submitters, no conflicts (2 of 4 stars). 6 submissions from 6 submitters: Pathogenic (2); Likely pathogenic (4). Last evaluated 2025-12-30.

Conditions:
MYH7-related disorder. Also called: MYH7-related condition; MYH7-related disease; MYH7-related disorders.
Cardiovascular phenotype. Identifiers: MedGen CN230736.
Hypertrophic cardiomyopathy. Also called: HYPERTROPHIC MYOCARDIOPATHY. Identifiers: Orphanet 217569, MedGen C0007194, MeSH D002312, MONDO:0005045, HP:0001639.

Allele frequency attached by ClinVar (database versions not stated): TOPMed below 0.00001.
gnomAD v4.1: 1 of 1,614,258 alleles (0.000062%); no homozygotes.

Submissions (6):

PreventionGenetics, part of Exact Sciences
Classification: Likely pathogenic for MYH7-related condition. Last evaluated: 2025-12-30. Review status: criteria provided, single submitter. Criteria: ACMG Guidelines, 2015. Collection method: clinical testing. Allele origin: germline.
Comment: The MYH7 c.2782G>A variant is predicted to result in the amino acid substitution p.Asp928Asn. This variant has been reported in individuals with hypertrophic cardiomyopathy (HCM) (see, for example, Erdmann et al. 2003. PubMed ID: 12974739; Table S1B, Walsh et al. 2016. PubMed ID: 27532257; García-Molina et al. 2019. PubMed ID: 30972196). The p.Asp928Asn variant occurs within a hot spot associated with HCM (amino acids 167-931, Walsh et al. 2019. PubMed ID: 30696458). Statistical evidence in gnomAD suggests the MYH7 gene is intolerant of missense variation. This variant has not been reported in a large population database (gnomAD), indicating this variant is rare. This variant is interpreted as likely pathogenic.

Labcorp Genetics (formerly Invitae), Labcorp
Classification: Pathogenic for Hypertrophic cardiomyopathy. Last evaluated: 2025-12-10. Review status: criteria provided, single submitter. Criteria: Invitae Variant Classification Sherloc (09022015). Collection method: clinical testing. Allele origin: germline.
Comment: This sequence change replaces aspartic acid, which is acidic and polar, with asparagine, which is neutral and polar, at codon 928 of the MYH7 protein (p.Asp928Asn). This variant is not present in population databases (gnomAD no frequency). This missense change has been observed in individuals with hypertrophic cardiomyopathy (PMID: 12974739, 15856146, 20038417, 27532257, 28193612). It has also been observed to segregate with disease in related individuals. ClinVar contains an entry for this variant (Variation ID: 164313). Invitae Evidence Modeling of protein sequence and biophysical properties (such as structural, functional, and spatial information, amino acid conservation, physicochemical variation, residue mobility, and thermodynamic stability) indicates that this missense variant is expected to disrupt MYH7 protein function with a positive predictive value of 95%. This variant is found within a region of MYH7 between codons 181 and 937 that contains the majority of the myosin head domain. Missense variants in this region have been shown to be significantly overrepresented in individuals with hypertrophic cardiomyopathy (PMID: 27532257). For these reasons, this variant has been classified as Pathogenic.

Ambry Genetics
Classification: Likely pathogenic for Cardiovascular phenotype. Last evaluated: 2025-04-08. Review status: criteria provided, single submitter. Criteria: Ambry Variant Classification Scheme 2023. Collection method: clinical testing. Allele origin: germline.
Comment: The p.D928N variant (also known as c.2782G>A), located in coding exon 21 of the MYH7 gene, results from a G to A substitution at nucleotide position 2782. The aspartic acid at codon 928 is replaced by asparagine, an amino acid with highly similar properties. This alteration is located in the myosin head domain, which contains a statistically significant clustering of pathogenic missense variants (Homburger JR et al. Proc Natl Acad Sci U S A, 2016 06;113:6701-6; Walsh R et al. Genet Med, 2017 02;19:192-203; Ambry internal data). This variant was identified in one or more individuals with features consistent with hypertrophic cardiomyopathy and segregated with disease in at least one family (Erdmann J et al. Clin Genet. 2003 Oct;64(4):339-49; Perrot AJ Mol. Med. 2005 Jun;83(6):468-77; Gimeno JR Rev Esp Cardiol. 2009 Dec;62(12):1473-7; Garc&iacute;a-Molina E et al. Am J Transl Res. 2019 Mar;11(3):1724-1735; Amr A et al. Clin Res Cardiol. 2022 Jun;111(6):638-650; Nafissi NA et al. Circ Genom Precis Med. 2022 Oct;15(5):e003675; Ambry internal data). This amino acid position is highly conserved in available vertebrate species. In addition, the in silico prediction for this alteration is inconclusive. This variant is considered to be rare based on population cohorts in the Genome Aggregation Database (gnomAD). Based on the majority of available evidence to date, this variant is likely to be pathogenic.

GeneDx
Classification: Pathogenic. Last evaluated: 2024-06-11. Review status: criteria provided, single submitter. Criteria: GeneDx Variant Classification Process June 2021. Collection method: clinical testing. Allele origin: germline. Affected: yes.
Comment: Reported in multiple unrelated individuals with HCM in the published literature (PMID: 12974739, 15856146, 20038417, 27532257, 28193612, 28687478, 29121657); Not observed at significant frequency in large population cohorts (gnomAD); In silico analysis supports that this missense variant has a deleterious effect on protein structure/function; This variant is associated with the following publications: (PMID: 23982742, 15856146, 12974739, 27532257, 28193612, 28606303, 28687478, 29121657, 30972196, 37194601, 37609317, 34694434, 36136372, 34542152, 20038417, 29300372)

Revvity Omics, Revvity
Classification: Likely pathogenic. Last evaluated: 2023-03-21. Review status: criteria provided, single submitter. Criteria: ACMG Guidelines, 2015. Collection method: clinical testing. Allele origin: germline.

Laboratory for Molecular Medicine, Mass General Brigham Personalized Medicine
Classification: Likely pathogenic for Hypertrophic cardiomyopathy. Last evaluated: 2014-08-26. Review status: criteria provided, single submitter. Criteria: LMM Criteria. Collection method: clinical testing. Allele origin: germline. Inheritance: Autosomal dominant inheritance. Observed: 9 variant alleles.
Comment: The Asp928Asn variant in MYH7 has been reported in 3 individuals with HCM and se gregated with disease in at least 2 affected relatives from 2 families (Erdmann 2003, Perrot 2005, Gimeno 2009). In addition, this variant has also been identif ied by our laboratory in 2 individuals with HCM and segregated with disease in 2 affected relatives. It has not been identified in large population studies. Com putational prediction tools and conservation analysis do not provide strong supp ort for or against an impact to the protein. In summary, although additional stu dies are required to fully establish its clinical significance, its absence in c ontrol populations and segregation with disease support that this variant is lik ely pathogenic.

Literature cited by the submitters: PubMed 12974739 (cited by 3 submitters); PubMed 15856146 (cited by 3 submitters); PubMed 20038417 (cited by 3 submitters); PubMed 27532257 (cited by Labcorp Genetics (formerly Invitae), Labcorp and Ambry Genetics); PubMed 28193612 (cited by Labcorp Genetics (formerly Invitae), Labcorp and Ambry Genetics); PubMed 19666645 (cited by Ambry Genetics); PubMed 25351510 (cited by Ambry Genetics); PubMed 28687478 (cited by Ambry Genetics); PubMed 29121657 (cited by Ambry Genetics); PubMed 30972196 (cited by Ambry Genetics); PubMed 34694434 (cited by Ambry Genetics); PubMed 36136372 (cited by Ambry Genetics); PubMed 37652022 (cited by Ambry Genetics).

NM_000257.4(MYH7):c.2782G>A (p.Asp928Asn)

Gene: MYH7 (myosin heavy chain 7; minus strand). Cytogenetic location: 14q11.2.
Variant type: single nucleotide variant.
Coding change: c.2782G>A on transcript NM_000257.4 (MANE Select); coding-DNA position 2782, G replaced by A.
Protein change: p.Asp928Asn; replaces aspartic acid 928 with asparagine.
Molecular consequence: missense variant.
Genome position (GRCh38, 1-based): chr14:23,424,047, C>T on the plus strand (G>A on the coding strand, the complement: MYH7 is on the minus strand). VCF-style: chr14-23424047-C-T. GRCh37 (hg19) VCF-style: chr14-23893256-C-T.
Other names: p.D928N:GAT>AAT; short protein forms D928N.
Identifiers: ClinVar variation 164313 (VCV000164313.22), dbSNP rs727503252, ClinGen allele CA013046.
Genomic context (GRCh38, chr14:23,424,047, plus strand): 5'-AGCACTCATCTTCCAGCTTGCGCTTCTTGGCAGTGAGCTCAGCATTCATCTCCTCCTCAT[C>T]CTCCAGCCTCTCGTTCATCTCCTTCACCTTGGCCTCCAGCTGAATCTTGTTTTTGATCAG-3'
Protein context (NP_000248.2, residues 918-938): KVKEMNERLE[Asp928Asn]EEEMNAELTA